The following is an entry in ClinVar:

NM_025114.4(CEP290):c.79A>G (p.Asn27Asp)

Gene: CEP290 (centrosomal protein 290; minus strand). Cytogenetic location: 12q21.32.
Variant type: single nucleotide variant.
Coding change: c.79A>G on transcript NM_025114.4 (MANE Select); coding-DNA position 79, A replaced by G.
Protein change: p.Asn27Asp; replaces asparagine 27 with aspartic acid.
Molecular consequence: missense variant.
Genome position (GRCh38, 1-based): chr12:88,141,229, T>C on the plus strand (A>G on the coding strand, the complement: CEP290 is on the minus strand). VCF-style: chr12-88141229-T-C. GRCh37 (hg19) VCF-style: chr12-88535006-T-C.
Other names: short protein forms N27D.
Identifiers: ClinVar variation 845228 (VCV000845228.8), dbSNP rs753760503, ClinGen allele CA6712920.
Genomic context (GRCh38, chr12:88,141,229, plus strand): 5'-TAATGTATATATCTATTATTATTGACCAATTAAGCACCTTGGATAAGGAAATCAATAAAT[T>C]ATCTGCCAGTTCTTCTTGACGGGGCAGGTCATCTGGGTCAACTTTCATTATTTCTTTCCA-3'
Protein context (NP_079390.3, residues 17-37): DLPRQEELAD[Asn27Asp]LLISLSKVEV

ClinVar aggregate classification (germline): Uncertain significance. Review status: criteria provided, multiple submitters, no conflicts (2 of 4 stars). 5 submissions from 5 submitters: Uncertain significance (3). 2 of the submissions do not count toward it. Last evaluated 2024-06-14.

Conditions:
Senior-Loken syndrome 6 (SLSN6). Identifiers: Orphanet 3156, MedGen C1857779, MONDO:0012433, OMIM 610189.
Leber congenital amaurosis 10 (LCA10). Identifiers: Orphanet 65, MedGen C1857821, MONDO:0012723, OMIM 611755.
Meckel syndrome, type 4 (MKS4). Also called: MECKEL-GRUBER SYNDROME, TYPE 4. Identifiers: Orphanet 564, MedGen C1970161, MONDO:0012626, OMIM 611134.
Joubert syndrome 5 (JBTS5). Identifiers: Orphanet 2318, MedGen C1857780, MONDO:0012432, OMIM 610188.
CEP290-related disorder. Also called: CEP290-related condition; CEP290-related disorders. Identifiers: MedGen CN239314.
Meckel-Gruber syndrome. Also called: DYSENCEPHALIA SPLANCHNOCYSTICA; GRUBER SYNDROME; Dysencephalia splachnocystica. Identifiers: Orphanet 564, MedGen C0265215, MONDO:0018921.
Nephronophthisis. Also called: Juvenile Nephronophthisis. Identifiers: Orphanet 655, MedGen C0687120, MONDO:0019005, HP:0000090.
Joubert syndrome. Also called: CEREBELLOPARENCHYMAL DISORDER IV; JOUBERT-BOLTSHAUSER SYNDROME; Familial aplasia of the vermis. Identifiers: Orphanet 475, MedGen C5979921, MONDO:0018772.
Bardet-Biedl syndrome 14 (BBS14). Identifiers: Orphanet 110, MedGen C2673874, MONDO:0014442, OMIM 615991.
Leber congenital amaurosis (LCA). Also called: Leber's amaurosis. Identifiers: Orphanet 65, MedGen C0339527, MeSH D057130, MONDO:0018998.

Allele frequency attached by ClinVar (database versions not stated): gnomAD 0.00001; gnomAD exomes 0.00001 and 0.00002; TOPMed 0.00002; ExAC 0.00003.

Submissions (5):

Fulgent Genetics
Classification: Uncertain significance for Joubert syndrome 5; Senior-Loken syndrome 6; Meckel syndrome, type 4; Leber congenital amaurosis 10; Bardet-Biedl syndrome 14. Last evaluated: 2024-06-14. Review status: criteria provided, single submitter. Criteria: ACMG Guidelines, 2015. Collection method: clinical testing. Allele origin: germline.

Labcorp Genetics (formerly Invitae), Labcorp
Classification: Uncertain significance for Joubert syndrome; Meckel-Gruber syndrome; Nephronophthisis. Last evaluated: 2022-08-31. Review status: criteria provided, single submitter. Criteria: Invitae Variant Classification Sherloc (09022015). Collection method: clinical testing. Allele origin: germline.
Comment: This sequence change replaces asparagine, which is neutral and polar, with aspartic acid, which is acidic and polar, at codon 27 of the CEP290 protein (p.Asn27Asp). This variant is present in population databases (rs753760503, gnomAD 0.004%). This variant has not been reported in the literature in individuals affected with CEP290-related conditions. ClinVar contains an entry for this variant (Variation ID: 845228). Algorithms developed to predict the effect of missense changes on protein structure and function output the following: SIFT: "Tolerated"; PolyPhen-2: "Benign"; Align-GVGD: "Class C0". The aspartic acid amino acid residue is found in multiple mammalian species, which suggests that this missense change does not adversely affect protein function. In summary, the available evidence is currently insufficient to determine the role of this variant in disease. Therefore, it has been classified as a Variant of Uncertain Significance.

New York Genome Center
Classification: Uncertain significance for Joubert syndrome 5; Leber congenital amaurosis 10; Meckel syndrome, type 4; Senior-Loken syndrome 6. Last evaluated: 2020-11-10. Review status: criteria provided, single submitter. Criteria: NYGC Assertion Criteria 2020. Collection method: clinical testing. Allele origin: germline. Observed: 1 heterozygote.

PreventionGenetics, part of Exact Sciences
Classification: Uncertain significance for CEP290-related condition. Last evaluated: 2023-12-28. Review status: no assertion criteria provided. Collection method: clinical testing. Allele origin: germline. Not counted in ClinVar's aggregate classification.
Comment: The CEP290 c.79A>G variant is predicted to result in the amino acid substitution p.Asn27Asp. To our knowledge, this variant has not been reported in the literature. This variant is reported in 0.0042% of alleles in individuals of African descent in gnomAD. At this time, the clinical significance of this variant is uncertain due to the absence of conclusive functional and genetic evidence.

Natera, Inc.
Classification: Uncertain significance for Leber congenital amaurosis. Last evaluated: 2020-09-22. Review status: no assertion criteria provided. Collection method: clinical testing. Allele origin: germline. Not counted in ClinVar's aggregate classification.